The following is an entry in ClinVar:

ClinVar aggregate classification (germline): Uncertain significance (1 of 4 stars; one submission).

Submission:

Labcorp Genetics (formerly Invitae), Labcorp
Classification: Uncertain significance. Last evaluated: 2024-08-08. Review status: criteria provided, single submitter. Criteria: Invitae Variant Classification Sherloc (09022015). Collection method: clinical testing. Allele origin: germline.
Comment: This sequence change replaces arginine, which is basic and polar, with glutamine, which is neutral and polar, at codon 2244 of the SON protein (p.Arg2244Gln). This variant is present in population databases (rs771753267, gnomAD 0.004%). This variant has not been reported in the literature in individuals affected with SON-related conditions. Experimental studies and prediction algorithms are not available or were not evaluated, and the functional significance of this variant is currently unknown. In summary, the available evidence is currently insufficient to determine the role of this variant in disease. Therefore, it has been classified as a Variant of Uncertain Significance.

NM_138927.4(SON):c.6657+175G>A

Gene: SON (SON DNA and RNA binding protein; plus strand). Cytogenetic location: 21q22.11.
Variant type: single nucleotide variant.
Coding change: c.6657+175G>A on transcript NM_138927.4 (MANE Select); 175 bases into the intron after coding-DNA position 6657, G replaced by A.
Molecular consequence: intron variant. On other transcripts: missense variant (1).
Genome position (GRCh38, 1-based): chr21:33,559,950, G>A. VCF-style: chr21-33559950-G-A. GRCh37 (hg19) VCF-style: chr21-34932256-G-A.
Other names: c.6731G>A, p.Arg2244Gln (NM_032195.3); c.741+175G>A (NM_001291412.3); short protein forms R2244Q.
Identifiers: ClinVar variation 3613616 (VCV003613616.2).